The following is an entry in ClinVar:

NM_000321.3(RB1):c.854T>C (p.Ile285Thr)

Gene: RB1 (RB transcriptional corepressor 1; plus strand). Cytogenetic location: 13q14.2.
Variant type: single nucleotide variant.
Coding change: c.854T>C on transcript NM_000321.3 (MANE Select); coding-DNA position 854, T replaced by C.
Protein change: p.Ile285Thr; replaces isoleucine 285 with threonine.
Molecular consequence: missense variant.
Genome position (GRCh38, 1-based): chr13:48,362,950, T>C. VCF-style: chr13-48362950-T-C. GRCh37 (hg19) VCF-style: chr13-48937086-T-C.
Other names: c.854T>C, p.Ile285Thr (NM_001407165.1, NM_001407166.1); short protein forms I285T.
Identifiers: ClinVar variation 2990182 (VCV002990182.2), dbSNP rs1168833404, ClinGen allele CA388159697.
Genomic context (GRCh38, chr13:48,362,950, plus strand): 5'-AACAACTAGAAAATGATACAAGAATTATTGAAGTTCTCTGTAAAGAACATGAATGTAATA[T>C]AGATGAGGTAATTTAACTTCATGATTTCTTTAAAACAGTTAAAGTAGATTTAGATGTAAG-3'
Protein context (NP_000312.2, residues 275-295): EVLCKEHECN[Ile285Thr]DEVKNVYFKN

ClinVar aggregate classification (germline): Uncertain significance. Review status: criteria provided, multiple submitters, no conflicts (2 of 4 stars). 2 submissions from 2 submitters: Uncertain significance (2). Last evaluated 2025-10-22.

Conditions:
Hereditary cancer-predisposing syndrome. Also called: Tumor predisposition; Hereditary neoplastic syndrome; Hereditary Cancer Syndrome; Neoplastic Syndromes, Hereditary. Identifiers: Orphanet 140162, MedGen C0027672, MeSH D009386, MONDO:0015356.
Retinoblastoma (RB1). Also called: RETINOBLASTOMA, SOMATIC. Identifiers: Orphanet 790, MedGen C0035335, MeSH D012175, MONDO:0008380, OMIM 180200, HP:0009919. Disease mechanism: loss of function. Inheritance: Both sporadic and heritable forms are tested..

Allele frequency attached by ClinVar (database versions not stated): gnomAD exomes below 0.00001.
gnomAD v4.1: 5 of 1,612,460 alleles (0.00031%); highest among the groups gnomAD compares: South Asian, 0.0033%; no homozygotes.

Submissions (2):

Ambry Genetics
Classification: Uncertain significance for Hereditary cancer-predisposing syndrome. Last evaluated: 2025-10-22. Review status: criteria provided, single submitter. Criteria: Ambry Variant Classification Scheme 2023. Collection method: clinical testing. Allele origin: germline.
Comment: The p.I285T variant (also known as c.854T>C), located in coding exon 8 of the RB1 gene, results from a T to C substitution at nucleotide position 854. The isoleucine at codon 285 is replaced by threonine, an amino acid with similar properties. This amino acid position is conserved. In addition, the in silico prediction for this alteration is inconclusive. Based on the available evidence, the clinical significance of this variant remains unclear.

Labcorp Genetics (formerly Invitae), Labcorp
Classification: Uncertain significance for Retinoblastoma. Last evaluated: 2023-09-26. Review status: criteria provided, single submitter. Criteria: Invitae Variant Classification Sherloc (09022015). Collection method: clinical testing. Allele origin: germline.
Comment: This sequence change replaces isoleucine, which is neutral and non-polar, with threonine, which is neutral and polar, at codon 285 of the RB1 protein (p.Ile285Thr). This variant is present in population databases (no rsID available, gnomAD 0.003%). This variant has not been reported in the literature in individuals affected with RB1-related conditions. Advanced modeling of protein sequence and biophysical properties (such as structural, functional, and spatial information, amino acid conservation, physicochemical variation, residue mobility, and thermodynamic stability) performed at Invitae indicates that this missense variant is not expected to disrupt RB1 protein function. In summary, the available evidence is currently insufficient to determine the role of this variant in disease. Therefore, it has been classified as a Variant of Uncertain Significance.